The following is an entry in ClinVar:

ClinVar aggregate classification (germline): Uncertain significance. Review status: criteria provided, multiple submitters, no conflicts (2 of 4 stars). 2 submissions from 2 submitters: Uncertain significance (2). Last evaluated 2026-07-31.

Conditions:
Hereditary cancer-predisposing syndrome. Also called: Hereditary Cancer Syndrome; Hereditary neoplastic syndrome; Neoplastic Syndromes, Hereditary; Tumor predisposition. Identifiers: Orphanet 140162, MedGen C0027672, MeSH D009386, MONDO:0015356.
Renal cell carcinoma. Identifiers: Orphanet 217071, MedGen C0007134, MeSH D002292, MONDO:0005086, HP:0005584.

Allele frequency attached by ClinVar (database versions not stated): gnomAD exomes below 0.00001.
gnomAD v4.1: 1 of 1,613,918 alleles (0.000062%); highest among the groups gnomAD compares: Non-Finnish European, 0.000085%; no homozygotes.

Submissions (2):

Ambry Genetics
Classification: Uncertain significance for Hereditary cancer-predisposing syndrome. Last evaluated: 2026-07-31. Review status: criteria provided, single submitter. Criteria: Ambry Variant Classification Scheme 2023. Collection method: clinical testing. Allele origin: germline.
Comment: The p.T646A variant (also known as c.1936A>G), located in coding exon 6 of the MET gene, results from an A to G substitution at nucleotide position 1936. The threonine at codon 646 is replaced by alanine, an amino acid with similar properties. This amino acid position is not well conserved in available vertebrate species. In addition, this alteration is predicted to be tolerated by in silico analysis. Based on the available evidence, the clinical significance of this variant remains unclear.

Labcorp Genetics (formerly Invitae), Labcorp
Classification: Uncertain significance for Renal cell carcinoma. Last evaluated: 2023-06-14. Review status: criteria provided, single submitter. Criteria: Invitae Variant Classification Sherloc (09022015). Collection method: clinical testing. Allele origin: germline.
Comment: In summary, the available evidence is currently insufficient to determine the role of this variant in disease. Therefore, it has been classified as a Variant of Uncertain Significance. Advanced modeling of protein sequence and biophysical properties (such as structural, functional, and spatial information, amino acid conservation, physicochemical variation, residue mobility, and thermodynamic stability) performed at Invitae indicates that this missense variant is not expected to disrupt MET protein function. This variant has not been reported in the literature in individuals affected with MET-related conditions. This variant is not present in population databases (gnomAD no frequency). This sequence change replaces threonine, which is neutral and polar, with alanine, which is neutral and non-polar, at codon 646 of the MET protein (p.Thr646Ala).

NM_000245.4(MET):c.1936A>G (p.Thr646Ala)

Gene: MET (MET proto-oncogene, receptor tyrosine kinase; plus strand). Cytogenetic location: 7q31.2.
Variant type: single nucleotide variant.
Coding change: c.1936A>G on transcript NM_000245.4 (MANE Select); coding-DNA position 1936, A replaced by G.
Protein change: p.Thr646Ala; replaces threonine 646 with alanine.
Molecular consequence: missense variant.
Genome position (GRCh38, 1-based): chr7:116,757,510, A>G. VCF-style: chr7-116757510-A-G. GRCh37 (hg19) VCF-style: chr7-116397564-A-G.
Other names: c.1936A>G, p.Thr646Ala (NM_001127500.3, NM_001324401.3); c.646A>G, p.Thr216Ala (NM_001324402.2); short protein forms T216A, T646A.
Identifiers: ClinVar variation 2739106 (VCV002739106.5), dbSNP rs2116920876, ClinGen allele CA368979445.
Genomic context (GRCh38, chr7:116,757,510, plus strand): 5'-GTTGGTCCTGCCATGAATAAGCATTTCAATATGTCCATAATTATTTCAAATGGCCACGGG[A>G]CAACACAATACAGTACATTCTCCTATGTGGTAAGGAAGATTCTATCCTATCATGTTTGAT-3'
Protein context (NP_000236.2, residues 636-656): MSIIISNGHG[Thr646Ala]TQYSTFSYVD